The following is an entry in ClinVar:

NM_000059.4(BRCA2):c.3487G>C (p.Asp1163His)

Gene: BRCA2 (BRCA2 DNA repair associated; plus strand). Cytogenetic location: 13q13.1.
Variant type: single nucleotide variant.
Coding change: c.3487G>C on transcript NM_000059.4 (MANE Select); coding-DNA position 3487, G replaced by C.
Protein change: p.Asp1163His; replaces aspartic acid 1163 with histidine.
Molecular consequence: missense variant. On other transcripts: non-coding transcript variant (1), intron variant (2).
Genome position (GRCh38, 1-based): chr13:32,337,842, G>C. VCF-style: chr13-32337842-G-C. GRCh37 (hg19) VCF-style: chr13-32911979-G-C.
Other names: c.3487G>C, p.Asp1163His (NM_001406719.1, NM_001406720.1, NM_001432077.1); c.1909+4455G>C (NM_001406721.1); c.425-6716G>C (NM_001406722.1); short protein forms D1163H.
Identifiers: ClinVar variation 3636458 (VCV003636458.3).

ClinVar aggregate classification (germline): Conflicting classifications of pathogenicity. Review status: criteria provided, conflicting classifications (1 of 4 stars). 2 submissions from 2 submitters: Uncertain significance (1); Likely benign (1). Last evaluated 2025-04-29.

Conditions:
Hereditary breast ovarian cancer syndrome. Also called: Hereditary breast and ovarian cancer syndrome; Hereditary breast and ovarian cancer syndrome (HBOC); BRCA1- and BRCA2-Associated Hereditary Breast and Ovarian Cancer; Hereditary breast and ovarian cancer; Breast and ovarian cancer; Hereditary breast and/or ovarian cancer syndrome. Identifiers: Orphanet 145, MedGen C0677776, MeSH D061325, MONDO:0003582. Disease mechanism: loss of function.
Hereditary cancer-predisposing syndrome. Also called: Neoplastic Syndromes, Hereditary; Tumor predisposition; Hereditary Cancer Syndrome; Hereditary neoplastic syndrome. Identifiers: Orphanet 140162, MedGen C0027672, MeSH D009386, MONDO:0015356.

Submissions (2):

Ambry Genetics
Classification: Likely benign for Hereditary cancer-predisposing syndrome. Last evaluated: 2025-04-29. Review status: criteria provided, single submitter. Criteria: Ambry Variant Classification Scheme 2023. Collection method: clinical testing. Allele origin: germline.

Labcorp Genetics (formerly Invitae), Labcorp
Classification: Uncertain significance for Hereditary breast ovarian cancer syndrome. Last evaluated: 2024-12-04. Review status: criteria provided, single submitter. Criteria: Invitae Variant Classification Sherloc (09022015). Collection method: clinical testing. Allele origin: germline.
Comment: This sequence change replaces aspartic acid, which is acidic and polar, with histidine, which is basic and polar, at codon 1163 of the BRCA2 protein (p.Asp1163His). This variant is not present in population databases (gnomAD no frequency). This variant has not been reported in the literature in individuals affected with BRCA2-related conditions. Invitae Evidence Modeling of protein sequence and biophysical properties (such as structural, functional, and spatial information, amino acid conservation, physicochemical variation, residue mobility, and thermodynamic stability) indicates that this missense variant is not expected to disrupt BRCA2 protein function with a negative predictive value of 95%. In summary, the available evidence is currently insufficient to determine the role of this variant in disease. Therefore, it has been classified as a Variant of Uncertain Significance.